The following is an entry in ClinVar:

NM_024675.4(PALB2):c.1347A>G (p.Lys449=)

Gene: PALB2 (partner and localizer of BRCA2; minus strand). Cytogenetic location: 16p12.2.
Variant type: single nucleotide variant.
Coding change: c.1347A>G on transcript NM_024675.4 (MANE Select); coding-DNA position 1347, A replaced by G.
Protein change: p.Lys449=; no amino-acid change (lysine 449 retained).
Molecular consequence: synonymous variant.
Genome position (GRCh38, 1-based): chr16:23,635,199, T>C on the plus strand (A>G on the coding strand, the complement: PALB2 is on the minus strand). VCF-style: chr16-23635199-T-C. GRCh37 (hg19) VCF-style: chr16-23646520-T-C.
Other names: p.K449K:AAA>AAG.
Identifiers: ClinVar variation 128118 (VCV000128118.31), dbSNP rs587780205, ClinGen allele CA288401.
Genomic context (GRCh38, chr16:23,635,199, plus strand): 5'-GCATGTGCCAGACATCCTAATTTCACTTTGGTCAGTTTCCTCATTGGAAAGGTTTAAATT[T>C]TTACTTGCATCCTTATTTTTATTTTTAAACCCTTTTTTCTTGACATCCAAATGACTCTGA-3'
Protein context (NP_078951.2, residues 439-459): GFKNKNKDAS[Lys449=]NLNLSNEETD

ClinVar aggregate classification (germline): Conflicting classifications of pathogenicity. Review status: criteria provided, conflicting classifications (1 of 4 stars). 10 submissions from 10 submitters: Uncertain significance (2); Benign (1); Likely benign (6). 1 of the submissions does not count toward it. Last evaluated 2026-09-01.

Conditions:
PALB2-related disorder. Also called: PALB2-related disorders; PALB2-related condition.
Hereditary cancer-predisposing syndrome. Also called: Neoplastic Syndromes, Hereditary; Hereditary Cancer Syndrome; Tumor predisposition; Hereditary neoplastic syndrome. Identifiers: Orphanet 140162, MedGen C0027672, MeSH D009386, MONDO:0015356.
Familial cancer of breast. Also called: hereditary breast carcinoma; BREAST CANCER, FAMILIAL; Hereditary breast cancer. Identifiers: Orphanet 227535, MedGen C0346153, MONDO:0016419, OMIM 114480. Disease mechanism: loss of function.
Pancreatic cancer, susceptibility to, 3. Identifiers: Orphanet 1333, MedGen C3150547, MONDO:0013236, OMIM 613348.

Allele frequency attached by ClinVar (database versions not stated): gnomAD exomes below 0.00001 and 0.00003; TOPMed 0.00002.
gnomAD v4.1: 36 of 1,614,170 alleles (0.0022%); highest among the groups gnomAD compares: Non-Finnish European, 0.0031%; no homozygotes.

Submissions (10):

CeGaT Center for Human Genetics Tuebingen
Classification: Likely benign. Last evaluated: 2026-09-01. Review status: criteria provided, single submitter. Criteria: CeGaT Center For Human Genetics Tuebingen Variant Classification Criteria Version 2. Collection method: clinical testing. Allele origin: germline. Affected: yes. Observed: 1 variant allele.
Comment: PALB2: BP4, BP7

PreventionGenetics, part of Exact Sciences
Classification: Likely benign for PALB2-related condition. Last evaluated: 2026-08-24. Review status: criteria provided, single submitter. Criteria: ACMG Guidelines, 2015. Collection method: clinical testing. Allele origin: germline.
Comment: This variant is classified as likely benign based on ACMG/AMP sequence variant interpretation guidelines (Richards et al. 2015 PMID: 25741868, with internal and published modifications).

Labcorp Genetics (formerly Invitae), Labcorp
Classification: Likely benign for Familial cancer of breast. Last evaluated: 2026-01-18. Review status: criteria provided, single submitter. Criteria: Invitae Variant Classification Sherloc (09022015). Collection method: clinical testing. Allele origin: germline.

Myriad Genetics, Inc.
Classification: Benign for Familial cancer of breast. Last evaluated: 2025-01-13. Review status: criteria provided, single submitter. Criteria: Myriad Autosomal Dominant, Autosomal Recessive and X-Linked Classification Criteria (2023). Collection method: clinical testing. Allele origin: unknown.
Comment: This variant is considered benign. This variant is a silent/synonymous amino acid change and it is not expected to impact splicing.

Women's Health and Genetics/Laboratory Corporation of America, LabCorp
Classification: Likely benign. Last evaluated: 2024-12-11. Review status: criteria provided, single submitter. Criteria: LabCorp Variant Classification Summary - May 2015. Collection method: clinical testing. Allele origin: germline.
Comment: Variant summary: PALB2 c.1347A>G results in a synonymous change. Consensus agreement among computation tools predict no significant impact on normal splicing (TrAP). However, these predictions have yet to be confirmed by functional studies. The variant allele was found at a frequency of 4e-06 in 250122 control chromosomes. The available data on variant occurrences in the general population are insufficient to allow any conclusion about variant significance. To our knowledge, no occurrence of c.1347A>G in individuals affected with Hereditary Breast And Ovarian Cancer Syndrome and no experimental evidence demonstrating its impact on protein function have been reported. ClinVar contains an entry for this variant (Variation ID: 128118). Based on the evidence outlined above, the variant was classified as likely benign.

Genetic Services Laboratory, University of Chicago
Classification: Uncertain significance. Last evaluated: 2021-11-22. Review status: criteria provided, single submitter. Criteria: ACMG Guidelines, 2015. Collection method: clinical testing. Allele origin: germline. Affected: no.

GeneDx
Classification: Uncertain significance. Last evaluated: 2021-10-18. Review status: criteria provided, single submitter. Criteria: GeneDx Variant Classification Process June 2021. Collection method: clinical testing. Allele origin: germline. Affected: yes.
Comment: Not observed at a significant frequency in large population cohorts (Lek 2016); In-silico analysis, which includes splice predictors and evolutionary conservation, is inconclusive as to whether the variant alters gene splicing. In the absence of RNA/functional studies, the actual effect of this sequence change is unknown.; Observed in an individual with breast cancer (Decker 2017); This variant is associated with the following publications: (PMID: 28779002)

Ambry Genetics
Classification: Likely benign for Hereditary cancer-predisposing syndrome. Last evaluated: 2018-11-08. Review status: criteria provided, single submitter. Criteria: Ambry Variant Classification Scheme 2023. Collection method: clinical testing. Allele origin: germline.

Color Diagnostics, LLC DBA Color Health
Classification: Likely benign for Hereditary cancer-predisposing syndrome. Last evaluated: 2016-03-03. Review status: criteria provided, single submitter. Criteria: ACMG Guidelines, 2015. Collection method: clinical testing. Allele origin: germline.

Department of Pathology and Laboratory Medicine, Sinai Health System
Classification: Uncertain significance for Pancreatic cancer, susceptibility to, 3. Review status: no assertion criteria provided. Collection method: clinical testing. Allele origin: unknown. Affected: yes. Observed: 1 variant allele. Study: The Canadian Open Genetics Repository (COGR). Not counted in ClinVar's aggregate classification.
Comment: The PALB2 p.Lys449= variant was not identified in the literature nor was it identified in the LOVD 3.0 database. The variant was identified in dbSNP (ID: rs587780205) as "With Uncertain significance allele" and ClinVar (classified as likely benign by Invitae and Ambry Genetics; as uncertain significance by GeneDx and Integrated Genetics/Laboratory Corporation of America). The variant was identified in control databases in 1 of 245422 chromosomes at a frequency of 0.000004 (Genome Aggregation Database Feb 27, 2017). The variant was observed in the European population in 1 of 111034 chromosomes (freq: 0.000009), while the variant was not observed in the African, Other, Latino, Ashkenazi Jewish, East Asian, Finnish, or South Asian populations. The p.Lys449= variant is not expected to have clinical significance because it does not result in a change of amino acid and is not located in a known consensus splice site. However, 3 of 4 in silico or computational prediction software programs (SpliceSiteFinder, MaxEntScan, NNSPLICE, GeneSplicer) predict a greater than 10% difference in splicing; this information is not predictive enough to assume pathogenicity. In summary, based on the above information, the clinical significance of this variant cannot be determined with certainty at this time. This variant is classified as a variant of uncertain significance.